The following is an entry in ClinVar:

ClinVar aggregate classification (germline): Uncertain significance. Review status: criteria provided, multiple submitters, no conflicts (2 of 4 stars). 2 submissions from 2 submitters: Uncertain significance (2). Last evaluated 2021-10-08.

Conditions:
Neutral lipid storage myopathy (NLSDM). Also called: NEUTRAL LIPID STORAGE DISEASE WITHOUT ICHTHYOSIS. Identifiers: Orphanet 98908, MedGen C1853136, MONDO:0012545, OMIM 610717.

Allele frequency attached by ClinVar (database versions not stated): gnomAD exomes below 0.00001 and 0.00001; TOPMed below 0.00001.
gnomAD v4.1: 7 of 1,614,072 alleles (0.00043%); highest among the groups gnomAD compares: East Asian, 0.0022%; no homozygotes.

Submissions (2):

Labcorp Genetics (formerly Invitae), Labcorp
Classification: Uncertain significance for Neutral lipid storage myopathy. Last evaluated: 2021-10-08. Review status: criteria provided, single submitter. Criteria: Invitae Variant Classification Sherloc (09022015). Collection method: clinical testing. Allele origin: germline.
Comment: In summary, the available evidence is currently insufficient to determine the role of this variant in disease. Therefore, it has been classified as a Variant of Uncertain Significance. Algorithms developed to predict the effect of missense changes on protein structure and function (SIFT, PolyPhen-2, Align-GVGD) all suggest that this variant is likely to be disruptive. This variant has not been reported in the literature in individuals affected with PNPLA2-related conditions. This variant is not present in population databases (ExAC no frequency). This sequence change replaces glutamic acid with lysine at codon 190 of the PNPLA2 protein (p.Glu190Lys). The glutamic acid residue is highly conserved and there is a small physicochemical difference between glutamic acid and lysine.

Revvity Omics, Revvity
Classification: Uncertain significance for Neutral lipid storage myopathy. Last evaluated: 2019-03-04. Review status: criteria provided, single submitter. Criteria: ACMG Guidelines, 2015. Collection method: clinical testing. Allele origin: germline.

NM_020376.4(PNPLA2):c.568G>A (p.Glu190Lys)

Gene: PNPLA2 (patatin like domain 2, triacylglycerol lipase; plus strand). Cytogenetic location: 11p15.5.
Variant type: single nucleotide variant.
Coding change: c.568G>A on transcript NM_020376.4 (MANE Select); coding-DNA position 568, G replaced by A.
Protein change: p.Glu190Lys; replaces glutamic acid 190 with lysine.
Molecular consequence: missense variant.
Genome position (GRCh38, 1-based): chr11:822,478, G>A. VCF-style: chr11-822478-G-A. GRCh37 (hg19) VCF-style: chr11-822478-G-A.
Other names: c.568G>A (NM_020376.3); short protein forms E190K.
Identifiers: ClinVar variation 1464841 (VCV001464841.6), dbSNP rs1395689685, ClinGen allele CA378980199.
Genomic context (GRCh38, chr11:822,478, plus strand): 5'-TCAGACAACCTGCCACTCTATGAGCTTAAGAACACCATCACAGTGTCCCCCTTCTCGGGC[G>A]AGAGTGACATCTGTCCGCAGGACAGCTCCACCAACATCCACGAGCTGCGGGTCACCAACA-3'
Protein context (NP_065109.1, residues 180-200): NTITVSPFSG[Glu190Lys]SDICPQDSST